The following is an entry in ClinVar:

ClinVar aggregate classification (germline): Uncertain significance. Review status: criteria provided, multiple submitters, no conflicts (2 of 4 stars). 2 submissions from 2 submitters: Uncertain significance (2). Last evaluated 2026-02-04.

Conditions:
FG syndrome (FGS). Identifiers: MedGen C0220769, MONDO:0002010.

Submissions (2):

GeneDx
Classification: Uncertain significance. Last evaluated: 2026-02-04. Review status: criteria provided, single submitter. Criteria: GeneDx Variant Classification Process June 2021. Collection method: clinical testing. Allele origin: germline.
Comment: Not observed at significant frequency in large population cohorts (gnomAD); In silico analysis supports that this missense variant has a deleterious effect on protein structure/function; Has not been previously published as pathogenic or benign to our knowledge

Labcorp Genetics (formerly Invitae), Labcorp
Classification: Uncertain significance for FG syndrome. Last evaluated: 2025-11-10. Review status: criteria provided, single submitter. Criteria: Invitae Variant Classification Sherloc (09022015). Collection method: clinical testing. Allele origin: germline.
Comment: This sequence change replaces methionine, which is neutral and non-polar, with threonine, which is neutral and polar, at codon 1321 of the MED12 protein (p.Met1321Thr). This variant is not present in population databases (gnomAD no frequency). This variant has not been reported in the literature in individuals affected with MED12-related conditions. Invitae Evidence Modeling of protein sequence and biophysical properties (such as structural, functional, and spatial information, amino acid conservation, physicochemical variation, residue mobility, and thermodynamic stability) has been performed for this missense variant. However, the output from this modeling did not meet the statistical confidence thresholds required to predict the impact of this variant on MED12 protein function. In summary, the available evidence is currently insufficient to determine the role of this variant in disease. Therefore, it has been classified as a Variant of Uncertain Significance.

NM_005120.3(MED12):c.3962T>C (p.Met1321Thr)

Gene: MED12 (mediator complex subunit 12; plus strand). Cytogenetic location: Xq13.1.
Variant type: single nucleotide variant.
Coding change: c.3962T>C on transcript NM_005120.3 (MANE Select); coding-DNA position 3962, T replaced by C.
Protein change: p.Met1321Thr; replaces methionine 1321 with threonine.
Molecular consequence: missense variant.
Genome position (GRCh38, 1-based): chrX:71,130,129, T>C. VCF-style: chrX-71130129-T-C. GRCh37 (hg19) VCF-style: chrX-70349979-T-C.
Other names: c.3962T>C (NM_005120.2); short protein forms M1321T.
Identifiers: ClinVar variation 4743394 (VCV004743394.2).
Genomic context (GRCh38, chrX:71,130,129, plus strand): 5'-GTGAGGACAGCAATGACCTGCAAGACCCAGTGTTGAGTAGTGCCCAGGCGCAGCGCCTCA[T>C]GCAGCTCATTTGCTATCCACATCGACTGCTGGACAATGAGGATGGGGAAAACCCCCAGCG-3'
Protein context (NP_005111.2, residues 1311-1331): VLSSAQAQRL[Met1321Thr]QLICYPHRLL